The following is an entry in ClinVar:

ClinVar aggregate classification (germline): Uncertain significance (1 of 4 stars; one submission).

Conditions:
Inborn genetic diseases. Identifiers: MedGen C0950123, MeSH D030342.

Allele frequency attached by ClinVar (database versions not stated): gnomAD exomes 0.00001.
gnomAD v4.1: 12 of 1,613,574 alleles (0.00074%); highest among the groups gnomAD compares: Non-Finnish European, 0.001%; no homozygotes.

Submission:

Ambry Genetics
Classification: Uncertain significance for Inborn genetic diseases. Last evaluated: 2022-05-12. Review status: criteria provided, single submitter. Criteria: Ambry Variant Classification Scheme 2023. Collection method: clinical testing. Allele origin: germline.
Comment: The p.I1800V variant (also known as c.5398A>G), located in coding exon 37 of the LRRK2 gene, results from an A to G substitution at nucleotide position 5398. The isoleucine at codon 1800 is replaced by valine, an amino acid with highly similar properties. This amino acid position is conserved. In addition, this alteration is predicted to be tolerated by in silico analysis. Since supporting evidence is limited at this time, the clinical significance of this alteration remains unclear.

NM_198578.4(LRRK2):c.5398A>G (p.Ile1800Val)

Gene: LRRK2 (leucine rich repeat kinase 2; plus strand). Cytogenetic location: 12q12.
Variant type: single nucleotide variant.
Coding change: c.5398A>G on transcript NM_198578.4 (MANE Select); coding-DNA position 5398, A replaced by G.
Protein change: p.Ile1800Val; replaces isoleucine 1800 with valine.
Molecular consequence: missense variant.
Genome position (GRCh38, 1-based): chr12:40,322,399, A>G. VCF-style: chr12-40322399-A-G. GRCh37 (hg19) VCF-style: chr12-40716201-A-G.
Other names: short protein forms I1800V.
Identifiers: ClinVar variation 1747256 (VCV001747256.2), dbSNP rs2499885281, ClinGen allele CA384420673.